The following is an entry in ClinVar:

NM_001377.3(DYNC2H1):c.8021C>T (p.Ala2674Val)

Gene: DYNC2H1 (dynein cytoplasmic 2 heavy chain 1; plus strand). Cytogenetic location: 11q22.3.
Variant type: single nucleotide variant.
Coding change: c.8021C>T on transcript NM_001377.3 (MANE Select); coding-DNA position 8021, C replaced by T.
Protein change: p.Ala2674Val; replaces alanine 2674 with valine.
Molecular consequence: missense variant.
Genome position (GRCh38, 1-based): chr11:103,199,409, C>T. VCF-style: chr11-103199409-C-T. GRCh37 (hg19) VCF-style: chr11-103070138-C-T.
Other names: c.8021C>T, p.Ala2674Val (NM_001080463.2); short protein forms A2674V.
Identifiers: ClinVar variation 1403811 (VCV001403811.3), dbSNP rs779700118, ClinGen allele CA6254373.

ClinVar aggregate classification (germline): Uncertain significance (1 of 4 stars; one submission).

Conditions:
Jeune thoracic dystrophy. Also called: Short-rib thoracic dysplasia; Jeune syndrome; Infantile thoracic dystrophy; Thoracic pelvic phalangeal dystrophy; Jeune's syndrome; Chondroectodermal dysplasia-like syndrome. Identifiers: Orphanet 474, MedGen C0265275, MONDO:0018770.

Allele frequency attached by ClinVar (database versions not stated): gnomAD 0.00001; TOPMed 0.00001; gnomAD exomes 0.00002 and 0.00003; ExAC 0.00003.
gnomAD v4.1: 37 of 1,612,398 alleles (0.0023%); highest among the groups gnomAD compares: Admixed American, 0.005%; no homozygotes.

Submission:

Labcorp Genetics (formerly Invitae), Labcorp
Classification: Uncertain significance for Jeune thoracic dystrophy. Last evaluated: 2022-08-15. Review status: criteria provided, single submitter. Criteria: Invitae Variant Classification Sherloc (09022015). Collection method: clinical testing. Allele origin: germline.
Comment: This sequence change replaces alanine, which is neutral and non-polar, with valine, which is neutral and non-polar, at codon 2674 of the DYNC2H1 protein (p.Ala2674Val). This variant is present in population databases (rs779700118, gnomAD 0.01%). This variant has not been reported in the literature in individuals affected with DYNC2H1-related conditions. ClinVar contains an entry for this variant (Variation ID: 1403811). Advanced modeling of protein sequence and biophysical properties (such as structural, functional, and spatial information, amino acid conservation, physicochemical variation, residue mobility, and thermodynamic stability) performed at Invitae indicates that this missense variant is not expected to disrupt DYNC2H1 protein function. In summary, the available evidence is currently insufficient to determine the role of this variant in disease. Therefore, it has been classified as a Variant of Uncertain Significance.